The following is an entry in ClinVar:

ClinVar aggregate classification (germline): Uncertain significance (1 of 4 stars; one submission).

Conditions:
Cardiac arrhythmia. Also called: Cardiac rhythm disease; Arrhythmia. Identifiers: MedGen C0003811, MONDO:0007263, HP:0011675.

Allele frequency attached by ClinVar (database versions not stated): TOPMed 0.00001.
gnomAD v4.1: 2 of 1,612,090 alleles (0.00012%); highest among the groups gnomAD compares: Non-Finnish European, 0.00017%; no homozygotes.

Submission:

Color Diagnostics, LLC DBA Color Health
Classification: Uncertain significance for Cardiac arrhythmia. Last evaluated: 2019-01-24. Review status: criteria provided, single submitter. Criteria: ACMG Guidelines, 2015. Collection method: clinical testing. Allele origin: germline.
Comment: Variant of Uncertain Significance due to insufficient evidence: This intronic variant changes a single nucleotide near intron 2 splice acceptor site of the KCNQ1 gene. Computational splicing tools are inconclusive regarding the impact of this variant on RNA splicing. To our knowledge, functional studies have not been performed for this variant not has this variant been reported in individuals affected with cardiovascular disorders in the literature. This variant is rare in the general population and has been identified in 0/277264 chromosomes by the Genome Aggregation Database (gnomAD). Available evidence is insufficient to determine the role of this variant in disease conclusively.

NM_000218.3(KCNQ1):c.478-8C>G

Gene: KCNQ1 (potassium voltage-gated channel subfamily Q member 1; plus strand). Cytogenetic location: 11p15.5.
Variant type: single nucleotide variant.
Coding change: c.478-8C>G on transcript NM_000218.3 (MANE Select); 8 bases into the intron before coding-DNA position 478, C replaced by G.
Molecular consequence: intron variant.
Genome position (GRCh38, 1-based): chr11:2,570,620, C>G. VCF-style: chr11-2570620-C-G. GRCh37 (hg19) VCF-style: chr11-2591850-C-G.
Other names: c.208-8C>G (NM_001406837.1); c.478-8C>G (NM_001406836.1); c.478-12815C>G (NM_001406838.1); c.97-8C>G (NM_181798.2).
Identifiers: ClinVar variation 928209 (VCV000928209.6), dbSNP rs150711844, ClinGen allele CA674971220.
Genomic context (GRCh38, chr11:2,570,620, plus strand): 5'-GGTTGCAGGGTCTGAAGCCACTCAAGGCCGAGCCTGCCTGCAGTGAGCGTCCCACTCTGT[C>G]CCTGCAGGAGATCGTGCTGGTGGTGTTCTTCGGGACGGAGTACGTGGTCCGCCTCTGGTC-3'